The following is an entry in ClinVar:

NM_005257.6(GATA6):c.334_335delinsCG (p.Leu112Arg)

Gene: GATA6 (GATA binding protein 6; plus strand). Cytogenetic location: 18q11.2.
Variant type: Indel.
Coding change: c.334_335delinsCG on transcript NM_005257.6 (MANE Select); coding-DNA positions 334 to 335, TT replaced by CG.
Protein change: p.Leu112Arg; replaces leucine 112 with arginine.
Molecular consequence: missense variant.
Genome position (GRCh38, 1-based): chr18:22,171,478-22,171,479, TT replaced by CG. VCF-style: chr18-22171478-TT-CG. GRCh37 (hg19) VCF-style: chr18-19751439-TT-CG.
Other names: short protein forms L112R.
Identifiers: ClinVar variation 2143454 (VCV002143454.4), dbSNP rs2510625736, ClinGen allele CA2580095474.

ClinVar aggregate classification (germline): Uncertain significance (1 of 4 stars; one submission).

Conditions:
Atrioventricular septal defect 5 (AVSD5). Identifiers: MedGen C3280939, MONDO:0013769, OMIM 614474.

Submission:

Labcorp Genetics (formerly Invitae), Labcorp
Classification: Uncertain significance for Atrioventricular septal defect 5. Last evaluated: 2025-06-20. Review status: criteria provided, single submitter. Criteria: Invitae Variant Classification Sherloc (09022015). Collection method: clinical testing. Allele origin: germline.
Comment: This sequence change replaces leucine, which is neutral and non-polar, with arginine, which is basic and polar, at codon 112 of the GATA6 protein (p.Leu112Arg). Information on the frequency of this variant in the gnomAD database is not available, as this variant may be reported differently in the database. This variant has not been reported in the literature in individuals affected with GATA6-related conditions. ClinVar contains an entry for this variant (Variation ID: 2143454). An algorithm developed to predict the effect of missense changes on protein structure and function (PolyPhen-2) suggests that this variant is likely to be disruptive. In summary, the available evidence is currently insufficient to determine the role of this variant in disease. Therefore, it has been classified as a Variant of Uncertain Significance.